The following is an entry in ClinVar:

NM_002497.4(NEK2):c.1051C>G (p.Leu351Val)

Gene: NEK2 (NIMA related kinase 2; minus strand). Cytogenetic location: 1q32.3.
Variant type: single nucleotide variant.
Coding change: c.1051C>G on transcript NM_002497.4 (MANE Select); coding-DNA position 1051, C replaced by G.
Protein change: p.Leu351Val; replaces leucine 351 with valine.
Molecular consequence: missense variant.
Genome position (GRCh38, 1-based): chr1:211,667,166, G>C on the plus strand (C>G on the coding strand, the complement: NEK2 is on the minus strand). VCF-style: chr1-211667166-G-C. GRCh37 (hg19) VCF-style: chr1-211840508-G-C.
Other names: c.1051C>G, p.Leu351Val (NM_001204182.2, NM_001204183.2); c.1051C>G (NM_002497.3); short protein forms L351V.
Identifiers: ClinVar variation 1376012 (VCV001376012.8), dbSNP rs774266098, ClinGen allele CA1381519.

ClinVar aggregate classification (germline): Uncertain significance. Review status: criteria provided, multiple submitters, no conflicts (2 of 4 stars). 3 submissions from 3 submitters: Uncertain significance (3). Last evaluated 2025-09-04.

Allele frequency attached by ClinVar (database versions not stated): gnomAD 0.00002.
gnomAD v4.1: 29 of 1,613,522 alleles (0.0018%); highest among the groups gnomAD compares: Admixed American, 0.042%; no homozygotes.

Submissions (3):

Labcorp Genetics (formerly Invitae), Labcorp
Classification: Uncertain significance. Last evaluated: 2025-09-04. Review status: criteria provided, single submitter. Criteria: Invitae Variant Classification Sherloc (09022015). Collection method: clinical testing. Allele origin: germline.
Comment: This sequence change replaces leucine, which is neutral and non-polar, with valine, which is neutral and non-polar, at codon 351 of the NEK2 protein (p.Leu351Val). This variant is present in population databases (rs774266098, gnomAD 0.06%), and has an allele count higher than expected for a pathogenic variant. This variant has not been reported in the literature in individuals affected with NEK2-related conditions. ClinVar contains an entry for this variant (Variation ID: 1376012). An algorithm developed to predict the effect of missense changes on protein structure and function (PolyPhen-2) suggests that this variant is likely to be disruptive. In summary, the available evidence is currently insufficient to determine the role of this variant in disease. Therefore, it has been classified as a Variant of Uncertain Significance.

Ambry Genetics
Classification: Uncertain significance. Last evaluated: 2025-02-19. Review status: criteria provided, single submitter. Criteria: Ambry Variant Classification Scheme 2023. Collection method: clinical testing. Allele origin: germline.

Blueprint Genetics
Classification: Uncertain significance. Last evaluated: 2022-01-31. Review status: criteria provided, single submitter. Criteria: ACMG Guidelines, 2015. Collection method: clinical testing. Allele origin: germline.